The following is an entry in ClinVar:

ClinVar aggregate classification (germline): Pathogenic (1 of 4 stars; one submission).

Conditions:
Pyruvate carboxylase deficiency. Also called: Pyruvate Carboxylase Deficiency Disease; ATAXIA WITH LACTIC ACIDOSIS II; LEIGH NECROTIZING ENCEPHALOPATHY DUE TO PYRUVATE CARBOXYLASE DEFICIENCY; LEIGH SYNDROME DUE TO PYRUVATE CARBOXYLASE DEFICIENCY; PC DEFICIENCY. Identifiers: Orphanet 3008, MedGen C0034341, MONDO:0009949, OMIM 266150.

Allele frequency attached by ClinVar (database versions not stated): ExAC 0.00001.

Submission:

Labcorp Genetics (formerly Invitae), Labcorp
Classification: Pathogenic for Pyruvate carboxylase deficiency. Last evaluated: 2022-01-16. Review status: criteria provided, single submitter. Criteria: Invitae Variant Classification Sherloc (09022015). Collection method: clinical testing. Allele origin: germline.
Comment: This variant has not been reported in the literature in individuals affected with PC-related conditions. For these reasons, this variant has been classified as Pathogenic. This sequence change creates a premature translational stop signal (p.Tyr871*) in the PC gene. It is expected to result in an absent or disrupted protein product. Loss-of-function variants in PC are known to be pathogenic (PMID: 12112657, 19306334). This variant is present in population databases (rs776114073, gnomAD 0.0009%).

Literature cited by the submitters: PubMed 12112657; PubMed 19306334.

NM_001040716.2(PC):c.2613C>A (p.Tyr871Ter)

Gene: PC (pyruvate carboxylase; minus strand). Cytogenetic location: 11q13.2.
Variant type: single nucleotide variant.
Coding change: c.2613C>A on transcript NM_001040716.2 (MANE Select); coding-DNA position 2613, C replaced by A.
Protein change: p.Tyr871Ter; replaces tyrosine 871 with a stop codon.
Molecular consequence: nonsense.
Genome position (GRCh38, 1-based): chr11:66,850,325, G>T on the plus strand (C>A on the coding strand, the complement: PC is on the minus strand). VCF-style: chr11-66850325-G-T. GRCh37 (hg19) VCF-style: chr11-66617796-G-T.
Other names: c.2613C>A, p.Tyr871Ter (NM_000920.4, NM_022172.3); short protein forms Y871*.
Identifiers: ClinVar variation 2086463 (VCV002086463.4), dbSNP rs776114073, ClinGen allele CA6131027.
Genomic context (GRCh38, chr11:66,850,325, plus strand): 5'-CTTGACCTCCTTGAACTTGGAGCCAAGCCCCATGCTGTGGGCCTGGAAGTGCAGGTTGGT[G>T]TACTGGCCCCCTGGGATCTCATTTTCATACACGTCCGAGTTGCCAGACTTCATGGTGGCC-3'